The following is an entry in ClinVar:

ClinVar aggregate classification (germline): Pathogenic (1 of 4 stars; one submission).

Conditions:
Fabry disease. Also called: ALPHA-GALACTOSIDASE A DEFICIENCY; ANDERSON-FABRY DISEASE; CERAMIDE TRIHEXOSIDASE DEFICIENCY; GLA DEFICIENCY; HEREDITARY DYSTOPIC LIPIDOSIS; Angiokeratoma corporis diffusum. Identifiers: Orphanet 324, MedGen C0002986, MONDO:0010526, OMIM 301500, HP:0001071. Disease mechanism: Fabry disease is due to inactivating mutations in the X-linked GLA gene resulting in deficiency of the enzyme Alpha Galactosidase-A., loss of function.

Submission:

Genomenon, Inc
Classification: Pathogenic for Fabry disease. Last evaluated: 2026-09-08. Review status: criteria provided, single submitter. Criteria: Genomenon Sequence Variant Interpretation Standards - Updated. Collection method: curation. Allele origin: germline. Affected: yes.
Comment: GLA p.Asp231Val (c.692A>T) is a missense variant that changes the amino acid at codon 231 from Aspartic acid to Valine. This variant has been observed in at least one proband with clinical features consistent with Fabry disease (PMID:18205205;32389574). At least one functional study has demonstrated a substantial alteration in protein function relative to the wild-type (PMID:18205205;27657681). This variant is located in a mutational hotspot and/or important functional domain. It is absent or not present at a significant frequency in gnomAD. In silico models predict that this variant is possibly or probably damaging. In conclusion, we classify GLA p.Asp231Val (c.692A>T) as a pathogenic variant.

Literature cited by the submitters: PubMed 18205205; PubMed 32389574; PubMed 27657681.

NM_000169.3(GLA):c.692A>T (p.Asp231Val)

Genes: GLA (galactosidase alpha; minus strand), RPL36A-HNRNPH2 (RPL36A-HNRNPH2 readthrough; plus strand). Cytogenetic location: Xq22.1.
Variant type: single nucleotide variant.
Coding change: c.692A>T on transcript NM_000169.3 (MANE Select); coding-DNA position 692, A replaced by T.
Protein change: p.Asp231Val; replaces aspartic acid 231 with valine.
Molecular consequence: missense variant. On other transcripts: non-coding transcript variant (3), intron variant (2).
Genome position (GRCh38, 1-based): chrX:101,398,894, T>A on the plus strand (A>T on the coding strand, the complement: GLA is on the minus strand). VCF-style: chrX-101398894-T-A. GRCh37 (hg19) VCF-style: chrX-100653882-T-A.
Other names: c.815A>T, p.Asp272Val (NM_001406747.1); c.692A>T, p.Asp231Val (NM_001406748.1); c.300+3437T>A (NM_001199973.2); c.177+7072T>A (NM_001199974.2); short protein forms D231V, D272V.
Identifiers: ClinVar variation 4087471 (VCV004087471.2).